The following is an entry in ClinVar:

ClinVar aggregate classification (germline): Uncertain significance (1 of 4 stars; one submission).

Submission:

GeneDx
Classification: Uncertain significance. Last evaluated: 2023-03-23. Review status: criteria provided, single submitter. Criteria: GeneDx Variant Classification Process June 2021. Collection method: clinical testing. Allele origin: germline. Affected: yes.
Comment: Not observed at significant frequency in large population cohorts (gnomAD); In silico analysis supports that this missense variant does not alter protein structure/function; Has not been previously published as pathogenic or benign to our knowledge

NM_001258392.3(CLPB):c.1990A>C (p.Ile664Leu)

Gene: CLPB (ClpB family mitochondrial disaggregase; minus strand). Cytogenetic location: 11q13.4.
Variant type: single nucleotide variant.
Coding change: c.1990A>C on transcript NM_001258392.3 (MANE Select); coding-DNA position 1990, A replaced by C.
Protein change: p.Ile664Leu; replaces isoleucine 664 with leucine.
Molecular consequence: missense variant.
Genome position (GRCh38, 1-based): chr11:72,293,411, T>G on the plus strand (A>C on the coding strand, the complement: CLPB is on the minus strand). VCF-style: chr11-72293411-T-G. GRCh37 (hg19) VCF-style: chr11-72004455-T-G.
Other names: c.1903A>C, p.Ile635Leu (NM_001258393.3); c.1945A>C, p.Ile649Leu (NM_001258394.3); c.2080A>C, p.Ile694Leu (NM_030813.6); short protein forms I635L, I649L, I664L, I694L.
Identifiers: ClinVar variation 2580434 (VCV002580434.1), dbSNP rs1949485985, ClinGen allele CA381722944.
Genomic context (GRCh38, chr11:72,293,411, plus strand): 5'-AGCAGGCAGGTGGCTGCTAGATGGTGTTGCACACCTTCTCAGGGTGCAGTGGTGCCCGGA[T>G]GTCCAGTCTGCGAGTCTTGCTGTCCTTGTCGATGATCTCCAGACGCAGCTTGGGGAGGCG-3'
Protein context (NP_001245321.1, residues 654-674): DKDSKTRRLD[Ile664Leu]RAPLHPEKVC